The following is an entry in ClinVar:

NM_002519.3(NPAT):c.3029T>C (p.Leu1010Ser)

Gene: NPAT (nuclear protein, coactivator of histone transcription; minus strand). Cytogenetic location: 11q22.3.
Variant type: single nucleotide variant.
Coding change: c.3029T>C on transcript NM_002519.3 (MANE Select); coding-DNA position 3029, T replaced by C.
Protein change: p.Leu1010Ser; replaces leucine 1010 with serine.
Molecular consequence: missense variant.
Genome position (GRCh38, 1-based): chr11:108,162,162, A>G on the plus strand (T>C on the coding strand, the complement: NPAT is on the minus strand). VCF-style: chr11-108162162-A-G. GRCh37 (hg19) VCF-style: chr11-108032889-A-G.
Other names: c.3029T>C, p.Leu1010Ser (NM_001321307.1); short protein forms L1010S.
Identifiers: ClinVar variation 1798993 (VCV001798993.3), dbSNP rs1476780334, ClinGen allele CA382511692.

ClinVar aggregate classification (germline): Conflicting classifications of pathogenicity. Review status: criteria provided, conflicting classifications (1 of 4 stars). 2 submissions from 2 submitters: Uncertain significance (1); Likely benign (1). Last evaluated 2025-10-14.

Allele frequency attached by ClinVar (database versions not stated): gnomAD exomes below 0.00001; gnomAD 0.00001; TOPMed 0.00001.
gnomAD v4.1: 5 of 1,613,774 alleles (0.00031%); highest among the groups gnomAD compares: Non-Finnish European, 0.00042%; no homozygotes.

Submissions (2):

Labcorp Genetics (formerly Invitae), Labcorp
Classification: Uncertain significance. Last evaluated: 2025-10-14. Review status: criteria provided, single submitter. Criteria: Invitae Variant Classification Sherloc (09022015). Collection method: clinical testing. Allele origin: germline.
Comment: This sequence change replaces leucine, which is neutral and non-polar, with serine, which is neutral and polar, at codon 1010 of the NPAT protein (p.Leu1010Ser). This variant is not present in population databases (gnomAD no frequency). This variant has not been reported in the literature in individuals affected with NPAT-related conditions. ClinVar contains an entry for this variant (Variation ID: 1798993). An algorithm developed to predict the effect of missense changes on protein structure and function outputs the following: PolyPhen-2: "Benign". The serine amino acid residue is found in multiple mammalian species, which suggests that this missense change does not adversely affect protein function. In summary, the available evidence is currently insufficient to determine the role of this variant in disease. Therefore, it has been classified as a Variant of Uncertain Significance.

Ambry Genetics
Classification: Likely benign. Last evaluated: 2021-10-26. Review status: criteria provided, single submitter. Criteria: Ambry Variant Classification Scheme 2023. Collection method: clinical testing. Allele origin: germline.